The following is an entry in ClinVar:

ClinVar aggregate classification (germline): Benign (1 of 4 stars; one submission).

Allele frequency attached by ClinVar (database versions not stated): TOPMed 0.03341; 1000 Genomes Project 30x 0.03467.
gnomAD v4.1: 4,277 of 147,740 alleles (2.9%); highest among the groups gnomAD compares: African/African-American, 9.7%; 209 homozygotes.

Submission:

GeneDx
Classification: Benign. Last evaluated: 2018-06-19. Review status: criteria provided, single submitter. Criteria: GeneDx Variant Classification (06012015). Collection method: clinical testing. Allele origin: germline. Affected: yes.
Comment: This variant is considered likely benign or benign based on one or more of the following criteria: it is a conservative change, it occurs at a poorly conserved position in the protein, it is predicted to be benign by multiple in silico algorithms, and/or has population frequency not consistent with disease.

NM_001182.5(ALDH7A1):c.1318-261T>C

Gene: ALDH7A1 (aldehyde dehydrogenase 7 family member A1; minus strand). Cytogenetic location: 5q23.2.
Variant type: single nucleotide variant.
Coding change: c.1318-261T>C on transcript NM_001182.5 (MANE Select); 261 bases into the intron before coding-DNA position 1318, T replaced by C.
Molecular consequence: intron variant.
Genome position (GRCh38, 1-based): chr5:126,550,554, A>G on the plus strand (T>C on the coding strand, the complement: ALDH7A1 is on the minus strand). VCF-style: chr5-126550554-A-G. GRCh37 (hg19) VCF-style: chr5-125886246-A-G.
Other names: c.1126-261T>C (NM_001202404.2); c.1234-261T>C (NM_001201377.2).
Identifiers: ClinVar variation 671725 (VCV000671725.1), dbSNP rs73785355, ClinGen allele CA12122231.